The following is an entry in ClinVar:

ClinVar aggregate classification (germline): Uncertain significance (1 of 4 stars; one submission).

Conditions:
Inborn genetic diseases. Identifiers: MedGen C0950123, MeSH D030342.

Submission:

Ambry Genetics
Classification: Uncertain significance for Inborn genetic diseases. Last evaluated: 2026-07-04. Review status: criteria provided, single submitter. Criteria: Ambry Variant Classification Scheme 2023. Collection method: clinical testing. Allele origin: germline.
Comment: The p.K885R variant (also known as c.2654A>G), located in coding exon 23 of the ANKRD26 gene, results from an A to G substitution at nucleotide position 2654. The lysine at codon 885 is replaced by arginine, an amino acid with highly similar properties. This amino acid position is conserved. In addition, this alteration is predicted to be tolerated by in silico analysis. Based on the available evidence, the clinical significance of this variant remains unclear.

NM_014915.3(ANKRD26):c.2654A>G (p.Lys885Arg)

Gene: ANKRD26 (ankyrin repeat domain 26; minus strand). Cytogenetic location: 10p12.1.
Variant type: single nucleotide variant.
Coding change: c.2654A>G on transcript NM_014915.3 (MANE Select); coding-DNA position 2654, A replaced by G.
Protein change: p.Lys885Arg; replaces lysine 885 with arginine.
Molecular consequence: missense variant.
Genome position (GRCh38, 1-based): chr10:27,037,229, T>C on the plus strand (A>G on the coding strand, the complement: ANKRD26 is on the minus strand). VCF-style: chr10-27037229-T-C. GRCh37 (hg19) VCF-style: chr10-27326158-T-C.
Other names: c.2651A>G, p.Lys884Arg (NM_001256053.2); short protein forms K884R, K885R.
Identifiers: ClinVar variation 5022949 (VCV005022949.1).
Genomic context (GRCh38, chr10:27,037,229, plus strand): 5'-AAAGGAAATAGAAATACCTCAGAATTCATTTTCTTTTGAGCCATTTCAATCTCCTTTTGT[T>C]TGGAAAGGTGATTGGTCAGAATTCCATCTTGTAACATTCTGGCATTCTGTTCTCGAGAAA-3'
Protein context (NP_055730.2, residues 875-895): QDGILTNHLS[Lys885Arg]QKEIEMAQKK